The following is an entry in ClinVar:

NM_000377.3(WAS):c.790G>A (p.Asp264Asn)

Gene: WAS (WASP actin nucleation promoting factor; plus strand). Cytogenetic location: Xp11.23.
Variant type: single nucleotide variant.
Coding change: c.790G>A on transcript NM_000377.3 (MANE Select); coding-DNA position 790, G replaced by A.
Protein change: p.Asp264Asn; replaces aspartic acid 264 with asparagine.
Molecular consequence: missense variant.
Genome position (GRCh38, 1-based): chrX:48,688,312, G>A. VCF-style: chrX-48688312-G-A. GRCh37 (hg19) VCF-style: chrX-48546701-G-A.
Other names: short protein forms D264N.
Identifiers: ClinVar variation 1404643 (VCV001404643.7), dbSNP rs2147265872, ClinGen allele CA412872175.
Genomic context (GRCh38, chrX:48,688,312, plus strand): 5'-TCGCCTTATTCCTCTACTCCTGCCCCTGGCCTTTTTCCTCCTGGGCAGGTGAACAACCTC[G>A]ACCCAGATCTGCGGAGTCTGTTCTCCAGGGCAGGAATCAGCGAGGCCCAGCTCACCGACG-3'
Protein context (NP_000368.1, residues 254-274): PQNGFDVNNL[Asp264Asn]PDLRSLFSRA

ClinVar aggregate classification (germline): Uncertain significance. Review status: criteria provided, multiple submitters, no conflicts (2 of 4 stars). 2 submissions from 2 submitters: Uncertain significance (2). Last evaluated 2025-11-11.

Conditions:
Wiskott-Aldrich syndrome (WAS). Also called: ALDRICH SYNDROME; IMMUNODEFICIENCY 2; Wiskott-aldrich syndrome, somatic; WISKOTT-ALDRICH SYNDROME 1. Identifiers: Orphanet 906, MedGen C0043194, MONDO:0010518, OMIM 301000.
X-linked severe congenital neutropenia (SCNX). Identifiers: Orphanet 86788, MedGen C1845987, MONDO:0010294, OMIM 300299.
Thrombocytopenia 1. Also called: THROMBOCYTOPENIA, X-LINKED, 1; X-linked thrombocytopenia with normal platelets; X-Linked Thrombocytopenia (XLT). Identifiers: Orphanet 268322, Orphanet 852, MedGen C1839163, MONDO:0010743, OMIM 313900.

Submissions (2):

Labcorp Genetics (formerly Invitae), Labcorp
Classification: Uncertain significance for Wiskott-Aldrich syndrome; X-linked severe congenital neutropenia; Thrombocytopenia 1. Last evaluated: 2025-11-11. Review status: criteria provided, single submitter. Criteria: Invitae Variant Classification Sherloc (09022015). Collection method: clinical testing. Allele origin: germline.
Comment: This sequence change replaces aspartic acid, which is acidic and polar, with asparagine, which is neutral and polar, at codon 264 of the WAS protein (p.Asp264Asn). This variant is not present in population databases (gnomAD no frequency). This variant has not been reported in the literature in individuals affected with WAS-related conditions. ClinVar contains an entry for this variant (Variation ID: 1404643). Invitae Evidence Modeling of protein sequence and biophysical properties (such as structural, functional, and spatial information, amino acid conservation, physicochemical variation, residue mobility, and thermodynamic stability) has been performed for this missense variant. However, the output from this modeling did not meet the statistical confidence thresholds required to predict the impact of this variant on WAS protein function. In summary, the available evidence is currently insufficient to determine the role of this variant in disease. Therefore, it has been classified as a Variant of Uncertain Significance.

Blueprint Genetics
Classification: Uncertain significance. Last evaluated: 2021-03-04. Review status: criteria provided, single submitter. Criteria: ACMG Guidelines, 2015. Collection method: clinical testing. Allele origin: germline.